The following is an entry in ClinVar:

NM_032383.5(HPS3):c.2935A>C (p.Asn979His)

Genes: CP (ceruloplasmin; minus strand), HPS3 (HPS3 biogenesis of lysosomal organelles complex 2 subunit 1; plus strand). Cytogenetic location: 3q24.
Variant type: single nucleotide variant.
Coding change: c.2935A>C on transcript NM_032383.5 (MANE Select); coding-DNA position 2935, A replaced by C.
Protein change: p.Asn979His; replaces asparagine 979 with histidine.
Molecular consequence: missense variant.
Genome position (GRCh38, 1-based): chr3:149,172,142, A>C. VCF-style: chr3-149172142-A-C. GRCh37 (hg19) VCF-style: chr3-148889929-A-C.
Other names: c.2440A>C, p.Asn814His (NM_001308258.2); short protein forms N814H, N979H.
Identifiers: ClinVar variation 2158445 (VCV002158445.1), dbSNP rs755248178, ClinGen allele CA2660509.

ClinVar aggregate classification (germline): Uncertain significance (1 of 4 stars; one submission).

Allele frequency attached by ClinVar (database versions not stated): gnomAD exomes below 0.00001; TOPMed below 0.00001; ExAC 0.00001.
gnomAD v4.1: 1 of 1,612,750 alleles (0.000062%); highest among the groups gnomAD compares: Non-Finnish European, 0.000085%; no homozygotes.

Submission:

Labcorp Genetics (formerly Invitae), Labcorp
Classification: Uncertain significance. Last evaluated: 2021-09-01. Review status: criteria provided, single submitter. Criteria: Invitae Variant Classification Sherloc (09022015). Collection method: clinical testing. Allele origin: germline.
Comment: This sequence change replaces asparagine with histidine at codon 979 of the HPS3 protein (p.Asn979His). The asparagine residue is moderately conserved and there is a small physicochemical difference between asparagine and histidine. This variant is present in population databases (rs755248178, ExAC 0.002%). This variant has not been reported in the literature in individuals affected with HPS3-related conditions. Algorithms developed to predict the effect of missense changes on protein structure and function are either unavailable or do not agree on the potential impact of this missense change (SIFT: "Tolerated"; PolyPhen-2: "Possibly Damaging"; Align-GVGD: "Class C0"). In summary, the available evidence is currently insufficient to determine the role of this variant in disease. Therefore, it has been classified as a Variant of Uncertain Significance.